The following is an entry in ClinVar:

ClinVar aggregate classification (germline): Uncertain significance (1 of 4 stars; one submission).

Conditions:
Cardiovascular phenotype. Identifiers: MedGen CN230736.

Submission:

Ambry Genetics
Classification: Uncertain significance for Cardiovascular phenotype. Last evaluated: 2025-10-27. Review status: criteria provided, single submitter. Criteria: Ambry Variant Classification Scheme 2023. Collection method: clinical testing. Allele origin: germline.
Comment: The p.E3630D variant (also known as c.10890G>C), located in coding exon 2 of the ZNF469 gene, results from a G to C substitution at nucleotide position 10890. The glutamic acid at codon 3630 is replaced by aspartic acid, an amino acid with highly similar properties. This amino acid position is conserved. In addition, this alteration is predicted to be tolerated by in silico analysis. Based on the available evidence, the clinical significance of this variant remains unclear.

NM_001127464.1:c.10890G>C

Gene: ZNF469 (zinc finger protein 469; plus strand).
Variant type: single nucleotide variant.
Identifiers: ClinVar variation 4615477 (VCV004615477.1).